The following is an entry in ClinVar:

NM_001008537.3(NEXMIF):c.4079A>G (p.Asn1360Ser)

Gene: NEXMIF (neurite extension and migration factor; minus strand). Cytogenetic location: Xq13.3.
Variant type: single nucleotide variant.
Coding change: c.4079A>G on transcript NM_001008537.3 (MANE Select); coding-DNA position 4079, A replaced by G.
Protein change: p.Asn1360Ser; replaces asparagine 1360 with serine.
Molecular consequence: missense variant.
Genome position (GRCh38, 1-based): chrX:74,740,478, T>C on the plus strand (A>G on the coding strand, the complement: NEXMIF is on the minus strand). VCF-style: chrX-74740478-T-C. GRCh37 (hg19) VCF-style: chrX-73960313-T-C.
Other names: short protein forms N1360S.
Identifiers: ClinVar variation 2793019 (VCV002793019.3), dbSNP rs2519911300, ClinGen allele CA413664076.
Genomic context (GRCh38, chrX:74,740,478, plus strand): 5'-TTTTTCTTAGACTCCTGTGGTGTCCCAGCCAATATTTTGAGGGTTTTTAATTTTAGACTA[T>C]TGGACTCAGGGGAGTAGAATATGTTGGGATCCCCATGGTGCTCCATGGGTTCCCAAAGGG-3'
Protein context (NP_001008537.1, residues 1350-1370): DPNIFYSPES[Asn1360Ser]SLKLKTLKIL

ClinVar aggregate classification (germline): Uncertain significance (1 of 4 stars; one submission).

Allele frequency attached by ClinVar (database versions not stated): gnomAD exomes below 0.00001.
gnomAD v4.1: 2 of 1,211,405 alleles (0.00017%); highest among the groups gnomAD compares: Non-Finnish European, 0.00022%; no homozygotes.

Submission:

Labcorp Genetics (formerly Invitae), Labcorp
Classification: Uncertain significance. Last evaluated: 2023-05-20. Review status: criteria provided, single submitter. Criteria: Invitae Variant Classification Sherloc (09022015). Collection method: clinical testing. Allele origin: germline.
Comment: This sequence change replaces asparagine, which is neutral and polar, with serine, which is neutral and polar, at codon 1360 of the NEXMIF protein (p.Asn1360Ser). This variant is not present in population databases (gnomAD no frequency). This variant has not been reported in the literature in individuals affected with NEXMIF-related conditions. An algorithm developed to predict the effect of missense changes on protein structure and function (PolyPhen-2) suggests that this variant is likely to be disruptive. In summary, the available evidence is currently insufficient to determine the role of this variant in disease. Therefore, it has been classified as a Variant of Uncertain Significance.